The following is an entry in ClinVar:

NM_001621.5(AHR):c.20A>G (p.Asn7Ser)

Genes: AHR (aryl hydrocarbon receptor; plus strand), LOC129998012 (ATAC-STARR-seq lymphoblastoid silent region 17985; plus strand). Cytogenetic location: 7p21.1.
Variant type: single nucleotide variant.
Coding change: c.20A>G on transcript NM_001621.5 (MANE Select); coding-DNA position 20, A replaced by G.
Protein change: p.Asn7Ser; replaces asparagine 7 with serine.
Molecular consequence: missense variant.
Genome position (GRCh38, 1-based): chr7:17,299,284, A>G. VCF-style: chr7-17299284-A-G. GRCh37 (hg19) VCF-style: chr7-17338908-A-G.
Other names: short protein forms N7S.
Identifiers: ClinVar variation 1499316 (VCV001499316.4), dbSNP rs1358181024, ClinGen allele CA367004896.
Genomic context (GRCh38, chr7:17,299,284, plus strand): 5'-GCCAGTGCCCGGGGAGTAGCCGCCGCCGTCGGCTGGGCACCATGAACAGCAGCAGCGCCA[A>G]CATCACCTACGCCAGTCGCAAGCGGCGGAAGCCGGTGCAGAAAACGTGAGTGTCCCGAGC-3'
Protein context (NP_001612.1, residues 1-17): MNSSSA[Asn7Ser]ITYASRKRRK

ClinVar aggregate classification (germline): Uncertain significance (1 of 4 stars; one submission).

Allele frequency attached by ClinVar (database versions not stated): TOPMed below 0.00001; gnomAD exomes 0.00001.
gnomAD v4.1: 6 of 1,612,400 alleles (0.00037%); highest among the groups gnomAD compares: African/African-American, 0.0013%; no homozygotes.

Submission:

Labcorp Genetics (formerly Invitae), Labcorp
Classification: Uncertain significance. Last evaluated: 2022-07-26. Review status: criteria provided, single submitter. Criteria: Invitae Variant Classification Sherloc (09022015). Collection method: clinical testing. Allele origin: germline.
Comment: This sequence change replaces asparagine, which is neutral and polar, with serine, which is neutral and polar, at codon 7 of the AHR protein (p.Asn7Ser). This variant is present in population databases (no rsID available, gnomAD 0.007%). This variant has not been reported in the literature in individuals affected with AHR-related conditions. ClinVar contains an entry for this variant (Variation ID: 1499316). In summary, the available evidence is currently insufficient to determine the role of this variant in disease. Therefore, it has been classified as a Variant of Uncertain Significance. Algorithms developed to predict the effect of missense changes on protein structure and function (SIFT, PolyPhen-2, Align-GVGD) all suggest that this variant is likely to be tolerated.